The following is an entry in ClinVar:

ClinVar aggregate classification (germline): Uncertain significance. Review status: criteria provided, single submitter (1 of 4 stars). 2 submissions from 2 submitters: Uncertain significance (1). 1 of the submissions does not count toward it. Last evaluated 2022-04-08.

Conditions:
Autosomal recessive limb-girdle muscular dystrophy type 2B (LGMDR2). Also called: MUSCULAR DYSTROPHY, LIMB-GIRDLE, AUTOSOMAL RECESSIVE 2; Limb-Girdle Muscular Dystrophy Type 2B (LGMD2B); Limb-girdle muscular dystrophy, type 2B; MUSCULAR DYSTROPHY, LIMB-GIRDLE, TYPE 3. Identifiers: Orphanet 268, MedGen C1850889, MONDO:0009676, OMIM 253601.
Neuromuscular disease caused by qualitative or quantitative defects of dysferlin. Also called: Qualitative or quantitative defects of dysferlin; Dysferlinopathy. Identifiers: Orphanet 207073, MedGen C2931687, MONDO:0016145.

Allele frequency attached by ClinVar (database versions not stated): ExAC 0.00002; gnomAD exomes 0.00002; TOPMed 0.00006.
gnomAD v4.1: 5 of 1,614,076 alleles (0.00031%); highest among the groups gnomAD compares: Admixed American, 0.0083%; no homozygotes.

Submissions (2):

Labcorp Genetics (formerly Invitae), Labcorp
Classification: Uncertain significance for Neuromuscular disease caused by qualitative or quantitative defects of dysferlin. Last evaluated: 2022-04-08. Review status: criteria provided, single submitter. Criteria: Invitae Variant Classification Sherloc (09022015). Collection method: clinical testing. Allele origin: germline.
Comment: This sequence change replaces proline, which is neutral and non-polar, with leucine, which is neutral and non-polar, at codon 1019 of the DYSF protein (p.Pro1019Leu). This variant is present in population databases (rs770593405, gnomAD 0.01%). This variant has not been reported in the literature in individuals affected with DYSF-related conditions. ClinVar contains an entry for this variant (Variation ID: 652065). Algorithms developed to predict the effect of missense changes on protein structure and function are either unavailable or do not agree on the potential impact of this missense change (SIFT: "Deleterious"; PolyPhen-2: "Probably Damaging"; Align-GVGD: "Class C0"). In summary, the available evidence is currently insufficient to determine the role of this variant in disease. Therefore, it has been classified as a Variant of Uncertain Significance.

Natera, Inc.
Classification: Uncertain significance for Limb-girdle muscular dystrophy type 2B. Last evaluated: 2021-05-27. Review status: no assertion criteria provided. Collection method: clinical testing. Allele origin: germline. Not counted in ClinVar's aggregate classification.

NM_001130987.2(DYSF):c.3110C>T (p.Pro1037Leu)

Gene: DYSF (dysferlin; plus strand). Cytogenetic location: 2p13.2.
Variant type: single nucleotide variant.
Coding change: c.3110C>T on transcript NM_001130987.2 (MANE Select); coding-DNA position 3110, C replaced by T.
Protein change: p.Pro1037Leu; replaces proline 1037 with leucine.
Molecular consequence: missense variant.
Genome position (GRCh38, 1-based): chr2:71,570,623, C>T. VCF-style: chr2-71570623-C-T. GRCh37 (hg19) VCF-style: chr2-71797753-C-T.
Other names: c.3059C>T, p.Pro1020Leu (NM_001130455.2, NM_001130983.2); c.3014C>T, p.Pro1005Leu (NM_001130976.2, NM_001130977.2); c.3056C>T, p.Pro1019Leu (NM_001130978.2, NM_003494.4); c.3149C>T, p.Pro1050Leu (NM_001130979.2); c.3107C>T, p.Pro1036Leu (NM_001130980.2, NM_001130981.2); c.3152C>T, p.Pro1051Leu (NM_001130982.2); c.3017C>T, p.Pro1006Leu (NM_001130984.2, NM_001130986.2); c.3110C>T, p.Pro1037Leu (NM_001130985.2); short protein forms P1005L, P1006L, P1051L, P1019L, P1020L, P1036L, P1037L, P1050L.
Identifiers: ClinVar variation 652065 (VCV000652065.7), dbSNP rs770593405, ClinGen allele CA1706429.